The following is an entry in ClinVar:

ClinVar aggregate classification (germline): Uncertain significance (1 of 4 stars; one submission).

Allele frequency attached by ClinVar (database versions not stated): gnomAD exomes 0.00001 and 0.00002; ExAC 0.00002; gnomAD 0.00002.
gnomAD v4.1: 21 of 1,613,522 alleles (0.0013%); highest among the groups gnomAD compares: South Asian, 0.0055%; no homozygotes.

Submission:

Labcorp Genetics (formerly Invitae), Labcorp
Classification: Uncertain significance. Last evaluated: 2021-11-10. Review status: criteria provided, single submitter. Criteria: Invitae Variant Classification Sherloc (09022015). Collection method: clinical testing. Allele origin: germline.
Comment: In summary, the available evidence is currently insufficient to determine the role of this variant in disease. Therefore, it has been classified as a Variant of Uncertain Significance. Algorithms developed to predict the effect of sequence changes on RNA splicing suggest that this variant may create or strengthen a splice site. Algorithms developed to predict the effect of missense changes on protein structure and function are either unavailable or do not agree on the potential impact of this missense change (SIFT: "Deleterious"; PolyPhen-2: "Not Available"; Align-GVGD: "Class C0"). This variant has not been reported in the literature in individuals affected with PCLO-related conditions. This variant is present in population databases (rs771989289, gnomAD 0.01%). This sequence change replaces methionine, which is neutral and non-polar, with valine, which is neutral and non-polar, at codon 3956 of the PCLO protein (p.Met3956Val).

NM_033026.6(PCLO):c.11866A>G (p.Met3956Val)

Gene: PCLO (piccolo presynaptic cytomatrix protein; minus strand). Cytogenetic location: 7q21.11.
Variant type: single nucleotide variant.
Coding change: c.11866A>G on transcript NM_033026.6 (MANE Select); coding-DNA position 11866, A replaced by G.
Protein change: p.Met3956Val; replaces methionine 3956 with valine.
Molecular consequence: missense variant.
Genome position (GRCh38, 1-based): chr7:82,916,120, T>C on the plus strand (A>G on the coding strand, the complement: PCLO is on the minus strand). VCF-style: chr7-82916120-T-C. GRCh37 (hg19) VCF-style: chr7-82545436-T-C.
Other names: c.11866A>G, p.Met3956Val (NM_014510.3); short protein forms M3956V.
Identifiers: ClinVar variation 1447186 (VCV001447186.6), dbSNP rs771989289, ClinGen allele CA4319493.